The following is an entry in ClinVar:

NM_000466.3(PEX1):c.2767C>T (p.Arg923Trp)

Gene: PEX1 (peroxisomal biogenesis factor 1; minus strand). Cytogenetic location: 7q21.2.
Variant type: single nucleotide variant.
Coding change: c.2767C>T on transcript NM_000466.3 (MANE Select); coding-DNA position 2767, C replaced by T.
Protein change: p.Arg923Trp; replaces arginine 923 with tryptophan.
Molecular consequence: missense variant.
Genome position (GRCh38, 1-based): chr7:92,496,729, G>A on the plus strand (C>T on the coding strand, the complement: PEX1 is on the minus strand). VCF-style: chr7-92496729-G-A. GRCh37 (hg19) VCF-style: chr7-92126043-G-A.
Other names: c.2596C>T, p.Arg866Trp (NM_001282677.2); c.2143C>T, p.Arg715Trp (NM_001282678.2); short protein forms R866W, R923W, R715W.
Identifiers: ClinVar variation 908619 (VCV000908619.7), dbSNP rs780992963, ClinGen allele CA4341024.
Genomic context (GRCh38, chr7:92,496,729, plus strand): 5'-AATAACAGAGTCAGTTACTTTAAAAACATTCATAGGCTACCAACCTAATAAAAATATCCC[G>A]AACAGCTTGTTCACTTGCTCCAATGTATTTGCTGAGTAACTCTGGCCCCTATTGGGTAAA-3'
Protein context (NP_000457.1, residues 913-933): KYIGASEQAV[Arg923Trp]DIFIRAQAAK

ClinVar aggregate classification (germline): Uncertain significance. Review status: criteria provided, multiple submitters, no conflicts (2 of 4 stars). 4 submissions from 4 submitters: Uncertain significance (4). Last evaluated 2026-04-14.

Conditions:
Zellweger spectrum disorders (ZS). Also called: Zellweger Spectrum Disorder; Zellweger Spectrum; Zellweger syndrome; Zellweger Spectrum Disorder (ZSD). Identifiers: Orphanet 912, MedGen C0043459, MONDO:0019609.
PEX1-related disorder. Also called: PEX1-related condition.
Peroxisome biogenesis disorder 1A (Zellweger) (PBD1A). Also called: Zellweger leukodystrophy; Peroxisome biogenesis disorder 1a. Identifiers: MedGen C4721541, MONDO:0008953, OMIM 214100.

Allele frequency attached by ClinVar (database versions not stated): ExAC 0.00002; gnomAD exomes 0.00002; TOPMed 0.00002; gnomAD 0.00001.

Submissions (4):

PreventionGenetics, part of Exact Sciences
Classification: Uncertain significance for PEX1-related condition. Last evaluated: 2026-04-14. Review status: criteria provided, single submitter. Criteria: ACMG Guidelines, 2015. Collection method: clinical testing. Allele origin: germline.
Comment: The PEX1 c.2767C>T variant is predicted to result in the amino acid substitution p.Arg923Trp. To our knowledge, this variant has not been reported in the literature. This variant is reported in 0.020% of alleles in individuals of East Asian descent in gnomAD. At this time, the clinical significance of this variant is uncertain due to the absence of conclusive functional and genetic evidence.

Blueprint Genetics
Classification: Uncertain significance. Last evaluated: 2023-05-12. Review status: criteria provided, single submitter. Criteria: ACMG Guidelines, 2015. Collection method: clinical testing. Allele origin: germline.

Labcorp Genetics (formerly Invitae), Labcorp
Classification: Uncertain significance for Zellweger spectrum disorders. Last evaluated: 2022-07-12. Review status: criteria provided, single submitter. Criteria: Invitae Variant Classification Sherloc (09022015). Collection method: clinical testing. Allele origin: germline.
Comment: This sequence change replaces arginine, which is basic and polar, with tryptophan, which is neutral and slightly polar, at codon 923 of the PEX1 protein (p.Arg923Trp). This variant is present in population databases (rs780992963, gnomAD 0.02%). This variant has not been reported in the literature in individuals affected with PEX1-related conditions. ClinVar contains an entry for this variant (Variation ID: 908619). Advanced modeling of protein sequence and biophysical properties (such as structural, functional, and spatial information, amino acid conservation, physicochemical variation, residue mobility, and thermodynamic stability) performed at Invitae indicates that this missense variant is expected to disrupt PEX1 protein function. In summary, the available evidence is currently insufficient to determine the role of this variant in disease. Therefore, it has been classified as a Variant of Uncertain Significance.

Illumina Laboratory Services, Illumina
Classification: Uncertain significance for Peroxisome biogenesis disorder 1A (Zellweger). Last evaluated: 2018-01-13. Review status: criteria provided, single submitter. Criteria: ICSL Variant Classification Criteria 13 December 2019. Collection method: clinical testing. Allele origin: germline.